The following is an entry in ClinVar:

ClinVar aggregate classification (germline): Uncertain significance (1 of 4 stars; one submission).

Conditions:
ALMS1-related disorder. Also called: ALMS1-related condition.

Submission:

PreventionGenetics, part of Exact Sciences
Classification: Uncertain significance for ALMS1-related condition. Last evaluated: 2023-03-28. Review status: criteria provided, single submitter. Criteria: ACMG Guidelines, 2015. Collection method: clinical testing. Allele origin: germline.
Comment: The ALMS1 c.1153A>G variant is predicted to result in the amino acid substitution p.Ser385Gly. To our knowledge, this variant has not been reported in the literature. This variant is reported in 0.0031% of alleles in individuals of European (Non-Finnish) descent in gnomAD. At this time, the clinical significance of this variant is uncertain due to the absence of conclusive functional and genetic evidence.

NM_001378454.1(ALMS1):c.1150A>G (p.Arg384Gly)

Gene: ALMS1 (ALMS1 centrosome and basal body associated protein; plus strand). Cytogenetic location: 2p13.1.
Variant type: single nucleotide variant.
Coding change: c.1150A>G on transcript NM_001378454.1 (MANE Select); coding-DNA position 1150, A replaced by G.
Protein change: p.Arg384Gly; replaces arginine 384 with glycine.
Molecular consequence: missense variant.
Genome position (GRCh38, 1-based): chr2:73,424,815, A>G. VCF-style: chr2-73424815-A-G. GRCh37 (hg19) VCF-style: chr2-73651943-A-G.
Other names: c.1153A>G, p.Arg385Gly (NM_015120.4); short protein forms R384G, R385G.
Identifiers: ClinVar variation 2632029 (VCV002632029.1), dbSNP rs2466047425, ClinGen allele CA347261599.